The following is an entry in ClinVar:

ClinVar aggregate classification (germline): Likely benign (1 of 4 stars; one submission).

Allele frequency attached by ClinVar (database versions not stated): ExAC 0.00001; gnomAD 0.00001; gnomAD exomes 0.00001; TOPMed 0.00002.
gnomAD v4.1: 15 of 1,613,494 alleles (0.00093%); highest among the groups gnomAD compares: Middle Eastern, 0.05%; no homozygotes.

Submission:

CeGaT Center for Human Genetics Tuebingen
Classification: Likely benign. Last evaluated: 2024-05-01. Review status: criteria provided, single submitter. Criteria: CeGaT Center For Human Genetics Tuebingen Variant Classification Criteria Version 2. Collection method: clinical testing. Allele origin: germline. Affected: yes. Observed: 1 variant allele.
Comment: TUBGCP2: BP4, BP7

NM_006659.4(TUBGCP2):c.375G>A (p.Ala125=)

Gene: TUBGCP2 (tubulin gamma complex component 2; minus strand). Cytogenetic location: 10q26.3.
Variant type: single nucleotide variant.
Coding change: c.375G>A on transcript NM_006659.4 (MANE Select); coding-DNA position 375, G replaced by A.
Protein change: p.Ala125=; no amino-acid change (alanine 125 retained).
Molecular consequence: synonymous variant. On other transcripts: 5 prime UTR variant (1), non-coding transcript variant (1).
Genome position (GRCh38, 1-based): chr10:133,299,508, C>T on the plus strand (G>A on the coding strand, the complement: TUBGCP2 is on the minus strand). VCF-style: chr10-133299508-C-T. GRCh37 (hg19) VCF-style: chr10-135113012-C-T.
Other names: c.375G>A, p.Ala125= (NM_001256617.2); c.-16G>A (NM_001256618.2).
Identifiers: ClinVar variation 3239280 (VCV003239280.19), dbSNP rs769852369.